The following is an entry in ClinVar:

NM_001191061.2(SLC25A22):c.551C>G (p.Ala184Gly)

Gene: SLC25A22 (solute carrier family 25 member 22; minus strand). Cytogenetic location: 11p15.5.
Variant type: single nucleotide variant.
Coding change: c.551C>G on transcript NM_001191061.2 (MANE Select); coding-DNA position 551, C replaced by G.
Protein change: p.Ala184Gly; replaces alanine 184 with glycine.
Molecular consequence: missense variant.
Genome position (GRCh38, 1-based): chr11:792,589, G>C on the plus strand (C>G on the coding strand, the complement: SLC25A22 is on the minus strand). VCF-style: chr11-792589-G-C. GRCh37 (hg19) VCF-style: chr11-792589-G-C.
Other names: p.A184G:GCC>GGC; c.551C>G, p.Ala184Gly (NM_001191060.2, NM_024698.6); short protein forms A184G.
Identifiers: ClinVar variation 207168 (VCV000207168.11), dbSNP rs755147242, ClinGen allele CA318382.
Genomic context (GRCh38, chr11:792,589, plus strand): 5'-CCCCACCTGCCCTGTGCCTCCTACCTGAGCAGCGTGGCCCCGAGTCCCTTGTAGAGACCG[G>C]CAATGCCACGGCTCCGCAGCAGGTCGCGGGTCAGCTGGGTGGCCGTGGGCCGAGGGGCAG-3'
Protein context (NP_001177990.1, residues 174-194): TRDLLRSRGI[Ala184Gly]GLYKGLGATL

ClinVar aggregate classification (germline): Uncertain significance. Review status: criteria provided, multiple submitters, no conflicts (2 of 4 stars). 3 submissions from 3 submitters: Uncertain significance (3). Last evaluated 2025-02-24.

Conditions:
Inborn genetic diseases. Identifiers: MedGen C0950123, MeSH D030342.
Early-infantile DEE. Also called: Ohtahara syndrome; Early infantile epileptic encephalopathy; Early infantile epileptic encephalopathy with suppression bursts. Identifiers: Orphanet 1934, MedGen C0393706, MONDO:0800491.

Allele frequency attached by ClinVar (database versions not stated): gnomAD exomes 0.00001 and 0.00002; ExAC 0.00003; gnomAD 0.00006; TOPMed 0.00014.
gnomAD v4.1: 30 of 1,611,412 alleles (0.0019%); highest among the groups gnomAD compares: African/African-American, 0.037%; no homozygotes.

Submissions (3):

Labcorp Genetics (formerly Invitae), Labcorp
Classification: Uncertain significance for Early-infantile DEE. Last evaluated: 2025-02-24. Review status: criteria provided, single submitter. Criteria: Invitae Variant Classification Sherloc (09022015). Collection method: clinical testing. Allele origin: germline.
Comment: This sequence change replaces alanine, which is neutral and non-polar, with glycine, which is neutral and non-polar, at codon 184 of the SLC25A22 protein (p.Ala184Gly). This variant is present in population databases (rs755147242, gnomAD 0.03%). This variant has not been reported in the literature in individuals affected with SLC25A22-related conditions. ClinVar contains an entry for this variant (Variation ID: 207168). Invitae Evidence Modeling of protein sequence and biophysical properties (such as structural, functional, and spatial information, amino acid conservation, physicochemical variation, residue mobility, and thermodynamic stability) indicates that this missense variant is not expected to disrupt SLC25A22 protein function with a negative predictive value of 80%. In summary, the available evidence is currently insufficient to determine the role of this variant in disease. Therefore, it has been classified as a Variant of Uncertain Significance.

GeneDx
Classification: Uncertain significance. Last evaluated: 2024-11-22. Review status: criteria provided, single submitter. Criteria: GeneDx Variant Classification Process June 2021. Collection method: clinical testing. Allele origin: germline. Affected: yes.
Comment: In silico analysis indicates that this missense variant does not alter protein structure/function; Has not been previously published as pathogenic or benign to our knowledge

Ambry Genetics
Classification: Uncertain significance for Inborn genetic diseases. Last evaluated: 2023-12-26. Review status: criteria provided, single submitter. Criteria: Ambry Variant Classification Scheme 2023. Collection method: clinical testing. Allele origin: germline.